The following is an entry in ClinVar:

ClinVar aggregate classification (germline): Uncertain significance (1 of 4 stars; one submission).

Allele frequency attached by ClinVar (database versions not stated): TOPMed 0.00001.
gnomAD v4.1: 2 of 1,614,094 alleles (0.00012%); highest among the groups gnomAD compares: Non-Finnish European, 0.00017%; no homozygotes.

Submission:

GeneDx
Classification: Uncertain significance. Last evaluated: 2019-11-04. Review status: criteria provided, single submitter. Criteria: GeneDx Variant Classification Process June 2021. Collection method: clinical testing. Allele origin: germline. Affected: yes.
Comment: Not observed in large population cohorts (Lek et al., 2016); In silico analysis, which includes protein predictors and evolutionary conservation, supports a deleterious effect; Has not been previously published as pathogenic or benign to our knowledge

NM_001003694.2(BRPF1):c.290G>A (p.Arg97His)

Gene: BRPF1 (bromodomain and PHD finger containing 1; plus strand). Cytogenetic location: 3p25.3.
Variant type: single nucleotide variant.
Coding change: c.290G>A on transcript NM_001003694.2 (MANE Select); coding-DNA position 290, G replaced by A.
Protein change: p.Arg97His; replaces arginine 97 with histidine.
Molecular consequence: missense variant. On other transcripts: non-coding transcript variant (1).
Genome position (GRCh38, 1-based): chr3:9,734,430, G>A. VCF-style: chr3-9734430-G-A. GRCh37 (hg19) VCF-style: chr3-9776114-G-A.
Other names: c.290G>A, p.Arg97His (NM_001319049.2, NM_001319050.2, NM_004634.3); short protein forms R97H.
Identifiers: ClinVar variation 1310201 (VCV001310201.2), dbSNP rs971945646, ClinGen allele CA69954441.